The following is an entry in ClinVar:

ClinVar aggregate classification (germline): Likely benign. Review status: criteria provided, multiple submitters, no conflicts (2 of 4 stars). 4 submissions from 4 submitters: Likely benign (4). Last evaluated 2026-06-24.

Conditions:
SOS1-related disorder. Also called: SOS1-related condition.
Cardiovascular phenotype. Identifiers: MedGen CN230736.
RASopathy. Also called: rasopathies; Noonan spectrum disorder. Identifiers: Orphanet 536391, MedGen C5555857, MONDO:0021060.

Allele frequency attached by ClinVar (database versions not stated): TOPMed below 0.00001; gnomAD 0.00001.
gnomAD v4.1: 4 of 1,613,762 alleles (0.00025%); highest among the groups gnomAD compares: Non-Finnish European, 0.00034%; no homozygotes.

Submissions (4):

PreventionGenetics, part of Exact Sciences
Classification: Likely benign for SOS1-related condition. Last evaluated: 2026-06-24. Review status: criteria provided, single submitter. Criteria: ACMG Guidelines, 2015. Collection method: clinical testing. Allele origin: germline.
Comment: This variant is classified as likely benign based on ACMG/AMP sequence variant interpretation guidelines (Richards et al. 2015 PMID: 25741868, with internal and published modifications).

Ambry Genetics
Classification: Likely benign for Cardiovascular phenotype. Last evaluated: 2025-08-28. Review status: criteria provided, single submitter. Criteria: Ambry Variant Classification Scheme 2023. Collection method: clinical testing. Allele origin: germline.

Labcorp Genetics (formerly Invitae), Labcorp
Classification: Likely benign for RASopathy. Last evaluated: 2025-03-21. Review status: criteria provided, single submitter. Criteria: Invitae Variant Classification Sherloc (09022015). Collection method: clinical testing. Allele origin: germline.

Women's Health and Genetics/Laboratory Corporation of America, LabCorp
Classification: Likely benign. Last evaluated: 2022-10-22. Review status: criteria provided, single submitter. Criteria: LabCorp Variant Classification Summary - May 2015. Collection method: clinical testing. Allele origin: germline.

NM_005633.4(SOS1):c.3321C>T (p.Ser1107=)

Gene: SOS1 (SOS Ras/Rac guanine nucleotide exchange factor 1; minus strand). Cytogenetic location: 2p22.1.
Variant type: single nucleotide variant.
Coding change: c.3321C>T on transcript NM_005633.4 (MANE Select); coding-DNA position 3321, C replaced by T.
Protein change: p.Ser1107=; no amino-acid change (serine 1107 retained).
Molecular consequence: synonymous variant.
Genome position (GRCh38, 1-based): chr2:38,995,148, G>A on the plus strand (C>T on the coding strand, the complement: SOS1 is on the minus strand). VCF-style: chr2-38995148-G-A. GRCh37 (hg19) VCF-style: chr2-39222289-G-A.
Other names: c.3300C>T, p.Ser1100= (NM_001382394.1); c.3321C>T, p.Ser1107= (NM_001382395.1).
Identifiers: ClinVar variation 1723368 (VCV001723368.6), dbSNP rs765727189, ClinGen allele CA425728493.